The following is an entry in ClinVar:

ClinVar aggregate classification (germline): Uncertain significance. Review status: criteria provided, multiple submitters, no conflicts (2 of 4 stars). 2 submissions from 2 submitters: Uncertain significance (2). Last evaluated 2023-07-07.

Conditions:
Inborn genetic diseases. Identifiers: MedGen C0950123, MeSH D030342.

Allele frequency attached by ClinVar (database versions not stated): TOPMed 0.00002.
gnomAD v4.1: 3 of 1,614,062 alleles (0.00019%); highest among the groups gnomAD compares: African/African-American, 0.0013%; no homozygotes.

Submissions (2):

Greenwood Genetic Center Diagnostic Laboratories, Greenwood Genetic Center
Classification: Uncertain significance. Last evaluated: 2023-07-07. Review status: criteria provided, single submitter. Criteria: ACMG Guidelines, 2015. Collection method: clinical testing. Allele origin: germline. Affected: yes.
Comment: PM2

Ambry Genetics
Classification: Uncertain significance for Inborn genetic diseases. Last evaluated: 2017-02-20. Review status: criteria provided, single submitter. Criteria: Ambry Variant Classification Scheme 2023. Collection method: clinical testing. Allele origin: germline.
Comment: The p.N2073T variant (also known as c.6218A>C), located in coding exon 20 of the ARID1B gene, results from an A to C substitution at nucleotide position 6218. The asparagine at codon 2073 is replaced by threonine, an amino acid with similar properties. This amino acid position is not well conserved in available vertebrate species. In addition, this alteration is predicted to be tolerated by in silico analysis. Since supporting evidence is limited at this time, the clinical significance of this alteration remains unclear.

NM_001374828.1(ARID1B):c.6587A>C (p.Asn2196Thr)

Gene: ARID1B (AT-rich interaction domain 1B; plus strand). Cytogenetic location: 6q25.3.
Variant type: single nucleotide variant.
Coding change: c.6587A>C on transcript NM_001374828.1 (MANE Select); coding-DNA position 6587, A replaced by C.
Protein change: p.Asn2196Thr; replaces asparagine 2196 with threonine.
Molecular consequence: missense variant.
Genome position (GRCh38, 1-based): chr6:157,207,359, A>C. VCF-style: chr6-157207359-A-C. GRCh37 (hg19) VCF-style: chr6-157528493-A-C.
Other names: c.6218A>C, p.Asn2073Thr (NM_020732.3); c.4088A>C, p.Asn1363Thr (NM_001363725.2); c.6467A>C, p.Asn2156Thr (NM_001371656.1, NM_001374820.1); c.6428A>C, p.Asn2143Thr (NM_017519.3); short protein forms N2073T, N1363T, N2143T, N2156T, N2196T.
Identifiers: ClinVar variation 589546 (VCV000589546.6), dbSNP rs1430704414, ClinGen allele CA366248611.